The following is an entry in ClinVar:

NC_000014.8:g.(?_23242430)_(23245528_23248001)del

Gene: SLC7A7 (solute carrier family 7 member 7; minus strand). Cytogenetic location: 14q11.2.
Variant type: Deletion.
Identifiers: ClinVar variation 2501105 (VCV002501105.1).

ClinVar aggregate classification (germline): Pathogenic (1 of 4 stars; one submission).

Conditions:
Lysinuric protein intolerance (LPI). Identifiers: Orphanet 470, MedGen C0268647, MONDO:0009109, OMIM 222700.

Submission:

Women's Health and Genetics/Laboratory Corporation of America, LabCorp
Classification: Pathogenic for Lysinuric protein intolerance. Last evaluated: 2023-03-01. Review status: criteria provided, single submitter. Criteria: LabCorp Variant Classification Summary - May 2015. Collection method: clinical testing. Allele origin: germline.
Comment: Variant summary: The variant identified by MLPA or other technology involves the deletion of exons 6-11 in the SLC7A7 gene. A presumed nomenclature of c.(770+1_771-1)_(*389_?)del has been designated for the purposes of this classification. Although exact breakpoints of this CNV are not known, it is expected to result in a large deletion change in the SLC7A7 gene, a known mechanism of disease. The variant was absent in 21690 control chromosomes. c.(770+1_771-1)_(*389_?)del has been reported in the literature in individuals affected with Lysinuric Protein Intolerance or Primary Immunodeficiency (Font-Llitjos_2009, Posey_2014, Platt_2021), and one of these individuals was reported as compound heterozygous with a pathogenic truncating variant in trans. These data indicate that the variant is very likely to be associated with disease. To our knowledge, no experimental evidence demonstrating an impact on protein function has been reported. Two submitters have provided clinical-significance assessments for this variant to ClinVar after 2014 , and classified the variant as pathogenic. Based on the evidence outlined above, the variant was classified as pathogenic.

Literature cited by the submitters: PubMed 25419514; PubMed 18716612; PubMed 32888943.